The following is an entry in ClinVar:

NM_001375834.1(WIPF1):c.1043T>C (p.Leu348Ser)

Gene: WIPF1 (WAS/WASL interacting protein family member 1; minus strand). Cytogenetic location: 2q31.1.
Variant type: single nucleotide variant.
Coding change: c.1043T>C on transcript NM_001375834.1 (MANE Select); coding-DNA position 1043, T replaced by C.
Protein change: p.Leu348Ser; replaces leucine 348 with serine.
Molecular consequence: missense variant.
Genome position (GRCh38, 1-based): chr2:174,571,762, A>G on the plus strand (T>C on the coding strand, the complement: WIPF1 is on the minus strand). VCF-style: chr2-174571762-A-G. GRCh37 (hg19) VCF-style: chr2-175436490-A-G.
Other names: c.1043T>C, p.Leu348Ser (NM_001077269.1, NM_001375832.1, NM_001375833.1 and 5 more transcripts); c.665T>C, p.Leu222Ser (NM_001375839.1); short protein forms L348S, L222S.
Identifiers: ClinVar variation 1994948 (VCV001994948.4), dbSNP rs2468471044, ClinGen allele CA349340315.

ClinVar aggregate classification (germline): Uncertain significance (1 of 4 stars; one submission).

Conditions:
Wiskott-Aldrich syndrome 2 (WAS2). Also called: WIPF1 DEFICIENCY. Identifiers: Orphanet 906, MedGen C3281001, MONDO:0013779, OMIM 614493.

Submission:

Labcorp Genetics (formerly Invitae), Labcorp
Classification: Uncertain significance for Wiskott-Aldrich syndrome 2. Last evaluated: 2022-05-15. Review status: criteria provided, single submitter. Criteria: Invitae Variant Classification Sherloc (09022015). Collection method: clinical testing. Allele origin: germline.
Comment: Algorithms developed to predict the effect of missense changes on protein structure and function are either unavailable or do not agree on the potential impact of this missense change (SIFT: "Not Available"; PolyPhen-2: "Probably Damaging"; Align-GVGD: "Not Available"). In summary, the available evidence is currently insufficient to determine the role of this variant in disease. Therefore, it has been classified as a Variant of Uncertain Significance. This variant has not been reported in the literature in individuals affected with WIPF1-related conditions. This variant is not present in population databases (gnomAD no frequency). This sequence change replaces leucine, which is neutral and non-polar, with serine, which is neutral and polar, at codon 348 of the WIPF1 protein (p.Leu348Ser).